The following is an entry in ClinVar:

ClinVar aggregate classification (germline): Uncertain significance (1 of 4 stars; one submission).

Conditions:
Hereditary breast ovarian cancer syndrome. Also called: Hereditary breast and ovarian cancer syndrome (HBOC); BRCA1- and BRCA2-Associated Hereditary Breast and Ovarian Cancer; Hereditary breast and ovarian cancer syndrome; Breast and ovarian cancer; Hereditary breast and ovarian cancer; Hereditary breast and/or ovarian cancer syndrome. Identifiers: Orphanet 145, MedGen C0677776, MeSH D061325, MONDO:0003582. Disease mechanism: loss of function.

Allele frequency attached by ClinVar (database versions not stated): gnomAD exomes below 0.00001.
gnomAD v4.1: 1 of 1,614,202 alleles (0.000062%); highest among the groups gnomAD compares: Non-Finnish European, 0.000085%; no homozygotes.

Submission:

Labcorp Genetics (formerly Invitae), Labcorp
Classification: Uncertain significance for Hereditary breast ovarian cancer syndrome. Last evaluated: 2017-12-12. Review status: criteria provided, single submitter. Criteria: Invitae Variant Classification Sherloc (09022015). Collection method: clinical testing. Allele origin: germline.
Comment: In summary, the available evidence is currently insufficient to determine the role of this variant in disease. Therefore, it has been classified as a Variant of Uncertain Significance. Algorithms developed to predict the effect of missense changes on protein structure and function (SIFT, PolyPhen-2, Align-GVGD) all suggest that this variant is likely to be disruptive, but these predictions have not been confirmed by published functional studies and their clinical significance is uncertain. This variant has not been reported in the literature in individuals with BRCA1-related disease. This variant is not present in population databases (ExAC no frequency). This sequence change replaces glutamine with proline at codon 1408 of the BRCA1 protein (p.Gln1408Pro). The glutamine residue is highly conserved and there is a moderate physicochemical difference between glutamine and proline.

NM_007294.4(BRCA1):c.4223A>C (p.Gln1408Pro)

Gene: BRCA1 (BRCA1 DNA repair associated; minus strand). Cytogenetic location: 17q21.31.
Variant type: single nucleotide variant.
Coding change: c.4223A>C on transcript NM_007294.4 (MANE Select); coding-DNA position 4223, A replaced by C.
Protein change: p.Gln1408Pro; replaces glutamine 1408 with proline.
Molecular consequence: missense variant. On other transcripts: non-coding transcript variant (1).
Genome position (GRCh38, 1-based): chr17:43,082,538, T>G on the plus strand (A>C on the coding strand, the complement: BRCA1 is on the minus strand). VCF-style: chr17-43082538-T-G. GRCh37 (hg19) VCF-style: chr17-41234555-T-G.
Other names: c.575A>C, p.Gln192Pro (NM_001408509.1, NM_001408508.1); c.533A>C, p.Gln178Pro (NM_001408510.1); c.4019A>C, p.Gln1340Pro (NM_001407874.1, NM_001407875.1); c.4013A>C, p.Gln1338Pro (NM_001407887.1, NM_001407889.1, NM_001407879.1 and 9 more transcripts); c.4223A>C, p.Gln1408Pro (NM_007300.4, NM_001407581.1, NM_001407582.1 and 23 more transcripts); c.701A>C, p.Gln234Pro (NM_001408513.1, NM_001408489.1, NM_001408490.1 and 3 more transcripts); c.704A>C, p.Gln235Pro (NM_001408514.1, NM_001408478.1, NM_001408479.1 and 6 more transcripts); c.4082A>C, p.Gln1361Pro (NM_007297.4, NM_001407692.1, NM_001407694.1 and 23 more transcripts); and 51 more; short protein forms Q1408P, Q1361P, Q305P, Q1295P, Q1319P, Q1320P, Q1359P, Q1380P.
Identifiers: ClinVar variation 531425 (VCV000531425.10), dbSNP rs1555584227, ClinGen allele CA10593278.